The following is an entry in ClinVar:

ClinVar aggregate classification (germline): Pathogenic (1 of 4 stars; one submission).

Submission:

Labcorp Genetics (formerly Invitae), Labcorp
Classification: Pathogenic. Last evaluated: 2022-10-04. Review status: criteria provided, single submitter. Criteria: Invitae Variant Classification Sherloc (09022015). Collection method: clinical testing. Allele origin: germline.
Comment: This variant results in the deletion of part of exon 26 and exons 27-48 (c.3009_*3274357del) of the SI gene. While this deletion is not anticipated to lead to nonsense mediated decay, it is expected to alter mRNA translation or result in a truncated protein product. For these reasons, this variant has been classified as Pathogenic. This variant disrupts a region of the SI protein in which other variant(s) (p.Arg1367Gly) have been determined to be pathogenic (PMID: 16329100, 29408290). This suggests that this is a clinically significant region of the protein, and that variants that disrupt it are likely to be disease-causing. This variant has not been reported in the literature in individuals affected with SI-related conditions.

Literature cited by the submitters: PubMed 16329100; PubMed 29408290.

NC_000003.11:g.(?_161422793)_(164741448_?)del

Gene: SI (sucrase-isomaltase; minus strand). Cytogenetic location: 3q26.1.
Variant type: Deletion.
Identifiers: ClinVar variation 2423562 (VCV002423562.4).